The following is an entry in ClinVar:

ClinVar aggregate classification (germline): Pathogenic/Likely pathogenic. Review status: criteria provided, multiple submitters, no conflicts (2 of 4 stars). 6 submissions from 6 submitters: Pathogenic (5); Likely pathogenic (1). Last evaluated 2025-11-04.

Conditions:
GBE1-related disorder. Also called: GBE1-related disorders; GBE1-related condition. Identifiers: MedGen CN239402.
Inborn genetic diseases. Identifiers: MedGen C0950123, MeSH D030342.
Glycogen storage disease IV, classic hepatic. Also called: GSD IV, CLASSIC HEPATIC. Identifiers: MedGen C1856301.
Glycogen storage disease, type IV (GSD4). Also called: GBE1 DEFICIENCY; GLYCOGEN BRANCHING ENZYME DEFICIENCY; GLYCOGENOSIS IV; GSD IV; Glycogen storage disease due to glycogen branching enzyme deficiency; AMYLOPECTINOSIS. Identifiers: Orphanet 367, MedGen C0017923, MONDO:0009292, OMIM 232500.

Allele frequency attached by ClinVar (database versions not stated): gnomAD 0.00001; gnomAD exomes 0.00001; TOPMed 0.00001.
gnomAD v4.1: 12 of 1,585,462 alleles (0.00076%); highest among the groups gnomAD compares: African/African-American, 0.0013%; no homozygotes.

Submissions (6):

Natera, Inc.
Classification: Pathogenic for Glycogen storage disease type IV. Last evaluated: 2025-11-04. Review status: criteria provided, single submitter. Criteria: Natera Variant Classification Schema (03/2026). Collection method: clinical testing. Allele origin: germline.
Comment: The c.1064G>A variant in GBE1 is a missense variant predicted to cause substitution of arginine to histidine at amino acid 355. This variant is rare in the general population with a frequency below the threshold expected for the associated phenotype(s). This variant has been observed in one or more individuals affected with the associated recessive disease, as either homozygous or compound heterozygous with a second variant (PMID: 36830903, 25356970, 25728520). Computational prediction algorithms indicate this variant is likely to affect gene or protein function. Given the available evidence, this variant is classified as Pathogenic.

Labcorp Genetics (formerly Invitae), Labcorp
Classification: Pathogenic for Glycogen storage disease, type IV; Glycogen storage disease IV, classic hepatic. Last evaluated: 2025-03-06. Review status: criteria provided, single submitter. Criteria: Invitae Variant Classification Sherloc (09022015). Collection method: clinical testing. Allele origin: germline.
Comment: This sequence change replaces arginine, which is basic and polar, with histidine, which is basic and polar, at codon 355 of the GBE1 protein (p.Arg355His). This variant is not present in population databases (gnomAD no frequency). This missense change has been observed in individual(s) with glycogen storage disease IV (PMID: 25728520). In at least one individual the data is consistent with being in trans (on the opposite chromosome) from a pathogenic variant. It has also been observed to segregate with disease in related individuals. ClinVar contains an entry for this variant (Variation ID: 224994). Invitae Evidence Modeling of protein sequence and biophysical properties (such as structural, functional, and spatial information, amino acid conservation, physicochemical variation, residue mobility, and thermodynamic stability) indicates that this missense variant is expected to disrupt GBE1 protein function with a positive predictive value of 95%. For these reasons, this variant has been classified as Pathogenic.

Baylor Genetics
Classification: Pathogenic for Glycogen storage disease, type IV. Last evaluated: 2024-03-20. Review status: criteria provided, single submitter. Criteria: ACMG Guidelines, 2015. Collection method: clinical testing. Allele origin: unknown.

Blueprint Genetics
Classification: Pathogenic for GBE1-related disorders. Last evaluated: 2023-11-01. Review status: criteria provided, single submitter. Criteria: ACMG Guidelines, 2015. Collection method: clinical testing. Allele origin: germline. Affected: yes. Observed: 1 variant allele.

Mendelics
Classification: Pathogenic for Glycogen storage disease, type IV. Last evaluated: 2022-05-04. Review status: criteria provided, single submitter. Criteria: Mendelics Assertion Criteria 2019. Collection method: clinical testing. Allele origin: germline.

Ambry Genetics
Classification: Likely pathogenic for Inborn genetic diseases. Last evaluated: 2013-08-30. Review status: criteria provided, single submitter. Criteria: Ambry Autosomal Dominant and X-Linked criteria (10/2015). Collection method: clinical testing. Allele origin: germline. Observed: 1 variant allele.

Literature cited by the submitters: PubMed 36830903 (cited by Natera, Inc.); PubMed 25356970 (cited by Natera, Inc.); PubMed 25728520 (cited by Natera, Inc. and Labcorp Genetics (formerly Invitae), Labcorp).

NM_000158.4(GBE1):c.1064G>A (p.Arg355His)

Gene: GBE1 (1,4-alpha-glucan branching enzyme 1; minus strand). Cytogenetic location: 3p12.2.
Variant type: single nucleotide variant.
Coding change: c.1064G>A on transcript NM_000158.4 (MANE Select); coding-DNA position 1064, G replaced by A.
Protein change: p.Arg355His; replaces arginine 355 with histidine.
Molecular consequence: missense variant.
Genome position (GRCh38, 1-based): chr3:81,593,952, C>T on the plus strand (G>A on the coding strand, the complement: GBE1 is on the minus strand). VCF-style: chr3-81593952-C-T. GRCh37 (hg19) VCF-style: chr3-81643103-C-T.
Other names: short protein forms R355H.
Identifiers: ClinVar variation 224994 (VCV000224994.14), dbSNP rs869312919, ClinGen allele CA358066.